The following is an entry in ClinVar:

ClinVar aggregate classification (germline): Uncertain significance (1 of 4 stars; one submission).

Conditions:
Charcot-Marie-Tooth disease axonal type 2O. Also called: Charcot-Marie-Tooth Neuropathy Type 2O; Charcot-Marie-Tooth disease, axonal, type 20; CHARCOT-MARIE-TOOTH NEUROPATHY, AXONAL, TYPE 2O; CHARCOT-MARIE-TOOTH DISEASE, AXONAL, AUTOSOMAL DOMINANT, TYPE 2O. Identifiers: Orphanet 284232, MedGen C3280220, MONDO:0013644, OMIM 614228.

Submission:

Labcorp Genetics (formerly Invitae), Labcorp
Classification: Uncertain significance for Charcot-Marie-Tooth disease, axonal, type 2O. Last evaluated: 2018-11-15. Review status: criteria provided, single submitter. Criteria: Invitae Variant Classification Sherloc (09022015). Collection method: clinical testing. Allele origin: germline.
Comment: This sequence change replaces alanine with lysine at codon 25 of the DYNC1H1 protein (p.Ala25Lys). The alanine residue is moderately conserved and there is a moderate physicochemical difference between alanine and lysine. This variant is not present in population databases (ExAC no frequency). This variant has not been reported in the literature in individuals with DYNC1H1-related disease. Algorithms developed to predict the effect of missense changes on protein structure and function are either unavailable or do not agree on the potential impact of this missense change (SIFT: "Not Available"; PolyPhen-2: "Benign"; Align-GVGD: "Not Available"). In summary, the available evidence is currently insufficient to determine the role of this variant in disease. Therefore, it has been classified as a Variant of Uncertain Significance.

NM_001376.5(DYNC1H1):c.73_74delinsAA (p.Ala25Lys)

Gene: DYNC1H1 (dynein cytoplasmic 1 heavy chain 1; plus strand). Cytogenetic location: 14q32.31.
Variant type: Indel.
Coding change: c.73_74delinsAA on transcript NM_001376.5 (MANE Select); coding-DNA positions 73 to 74, GC replaced by AA.
Protein change: p.Ala25Lys; replaces alanine 25 with lysine.
Molecular consequence: missense variant.
Genome position (GRCh38, 1-based): chr14:101,964,764-101,964,765, GC replaced by AA. VCF-style: chr14-101964764-GC-AA. GRCh37 (hg19) VCF-style: chr14-102431101-GC-AA.
Other names: short protein forms A25K.
Identifiers: ClinVar variation 666149 (VCV000666149.1), dbSNP rs1595590120, ClinGen allele CA915946451.